The following is an entry in ClinVar:

NM_003105.6(SORL1):c.1186G>A (p.Gly396Arg)

Gene: SORL1 (sortilin related receptor 1; plus strand). Cytogenetic location: 11q24.1.
Variant type: single nucleotide variant.
Coding change: c.1186G>A on transcript NM_003105.6 (MANE Select); coding-DNA position 1186, G replaced by A.
Protein change: p.Gly396Arg; replaces glycine 396 with arginine.
Molecular consequence: missense variant.
Genome position (GRCh38, 1-based): chr11:121,514,296, G>A. VCF-style: chr11-121514296-G-A. GRCh37 (hg19) VCF-style: chr11-121385005-G-A.
Other names: c.1186G>A (NM_003105.5); short protein forms G396R.
Identifiers: ClinVar variation 1933737 (VCV001933737.6), dbSNP rs922509162, ClinGen allele CA229855902.
Genomic context (GRCh38, chr11:121,514,296, plus strand): 5'-GAGGCAGAGGGGCTGAAGTTCTCCCTGTCCTTGGAGAACGTGCTCTATTACAGCCCAGGA[G>A]GGGCCGGCAGTGACACCTTGGTGAGGTAAGGAGACTGTGAGTCCTTCTCCTGCCTTCTTA-3'
Protein context (NP_003096.2, residues 386-406): LENVLYYSPG[Gly396Arg]AGSDTLVRYF

ClinVar aggregate classification (germline): Uncertain significance. Review status: criteria provided, multiple submitters, no conflicts (2 of 4 stars). 2 submissions from 2 submitters: Uncertain significance (2). Last evaluated 2024-12-04.

Allele frequency attached by ClinVar (database versions not stated): gnomAD 0.00001; TOPMed 0.00002.
gnomAD v4.1: 3 of 1,613,916 alleles (0.00019%); highest among the groups gnomAD compares: African/African-American, 0.0027%; no homozygotes.

Submissions (2):

Ambry Genetics
Classification: Uncertain significance. Last evaluated: 2024-12-04. Review status: criteria provided, single submitter. Criteria: Ambry Variant Classification Scheme 2023. Collection method: clinical testing. Allele origin: germline.

Labcorp Genetics (formerly Invitae), Labcorp
Classification: Uncertain significance. Last evaluated: 2024-01-14. Review status: criteria provided, single submitter. Criteria: Invitae Variant Classification Sherloc (09022015). Collection method: clinical testing. Allele origin: germline.
Comment: This sequence change replaces glycine, which is neutral and non-polar, with arginine, which is basic and polar, at codon 396 of the SORL1 protein (p.Gly396Arg). This variant is not present in population databases (gnomAD no frequency). This variant has not been reported in the literature in individuals affected with SORL1-related conditions. ClinVar contains an entry for this variant (Variation ID: 1933737). An algorithm developed to predict the effect of missense changes on protein structure and function (PolyPhen-2) suggests that this variant is likely to be disruptive. In summary, the available evidence is currently insufficient to determine the role of this variant in disease. Therefore, it has been classified as a Variant of Uncertain Significance.